The following is an entry in ClinVar:

ClinVar aggregate classification (germline): Uncertain significance (1 of 4 stars; one submission).

Conditions:
Polycystic kidney disease, adult type (PKD1). Also called: Polycystic Kidney, Autosomal Dominant; POLYCYSTIC KIDNEY DISEASE, ADULT, TYPE I; Polycystic Kidney Disease 1, Autosomal Dominant; Polycystic kidney disease 1; Polycystic kidney disease 1, severe; POLYCYSTIC KIDNEY DISEASE 1 WITH OR WITHOUT POLYCYSTIC LIVER DISEASE. Identifiers: MedGen C3149841, MONDO:0008263, OMIM 173900.

Submission:

Juno Genomics, Hangzhou Juno Genomics, Inc
Classification: Uncertain significance for Polycystic kidney disease, adult type. Review status: criteria provided, single submitter. Criteria: ACMG Guidelines, 2015. Collection method: clinical testing. Allele origin: germline. Affected: yes.
Comment: Absent from controls (or at extremely low frequency if recessive) in Genome Aggregation Database, Exome Sequencing Project, 1000 Genomes Project, or Exome Aggregation Consortium.;Protein length changes due to in-frame deletions/insertions in a non-repeat region or stop-loss variants.;Patient's phenotype or family history is highly specific for a disease with a single genetic etiology.

NM_001009944.3(PKD1):c.4984_4992del (p.Val1662_Tyr1664del)

Gene: PKD1 (polycystin 1, transient receptor potential channel interacting; minus strand). Cytogenetic location: 16p13.3.
Variant type: Deletion.
Coding change: c.4984_4992del on transcript NM_001009944.3 (MANE Select); coding-DNA positions 4984 to 4992, 9 bases deleted (GTCTCCTAC; older notation c.4984_4992delGTCTCCTAC).
Protein change: p.Val1662_Tyr1664del.
Molecular consequence: inframe deletion.
Genome position (GRCh38, 1-based): chr16:2,110,175-2,110,183, GTAGGAGAC deleted on the plus strand (GTCTCCTAC on the coding strand, the reverse complement: PKD1 is on the minus strand); deleting any 9 consecutive bases within chr16:2,110,175-2,110,185 gives the same sequence; the c. name uses the placement nearest the transcript's 3' end. VCF-style (leftmost placement, unchanged base first): chr16-2110174-TGTAGGAGAC-T. GRCh37 (hg19) VCF-style: chr16-2160175-TGTAGGAGAC-T.
Other names: c.4984_4992del, p.Val1662_Tyr1664del (NM_000296.4).
Identifiers: ClinVar variation 4531221 (VCV004531221.1).